The following is an entry in ClinVar:

ClinVar aggregate classification (germline): Uncertain significance (1 of 4 stars; one submission).

Allele frequency attached by ClinVar (database versions not stated): TOPMed below 0.00001.
gnomAD v4.1: 6 of 1,591,568 alleles (0.00038%); highest among the groups gnomAD compares: African/African-American, 0.0013%; no homozygotes.

Submission:

GeneDx
Classification: Uncertain significance. Last evaluated: 2022-06-16. Review status: criteria provided, single submitter. Criteria: GeneDx Variant Classification Process June 2021. Collection method: clinical testing. Allele origin: germline. Affected: yes.
Comment: Not observed at significant frequency in large population cohorts (gnomAD); In silico analysis supports that this missense variant does not alter protein structure/function; Has not been previously published as pathogenic or benign to our knowledge

NM_001103146.3(GIGYF2):c.2972A>G (p.Asn991Ser)

Gene: GIGYF2 (GRB10 interacting GYF protein 2; plus strand). Cytogenetic location: 2q37.1.
Variant type: single nucleotide variant.
Coding change: c.2972A>G on transcript NM_001103146.3 (MANE Select); coding-DNA position 2972, A replaced by G.
Protein change: p.Asn991Ser; replaces asparagine 991 with serine.
Genome position (GRCh38, 1-based): chr2:232,844,128, A>G. VCF-style: chr2-232844128-A-G. GRCh37 (hg19) VCF-style: chr2-233708838-A-G.
Other names: c.3035A>G, p.Asn1012Ser (NM_001103147.2); c.2954A>G, p.Asn985Ser (NM_001103148.2); c.2972A>G, p.Asn991Ser (NM_015575.4); short protein forms N1012S, N985S, N991S.
Identifiers: ClinVar variation 1691770 (VCV001691770.2), dbSNP rs1701917287, ClinGen allele CA351008340.